The following is an entry in ClinVar:

ClinVar aggregate classification (germline): Pathogenic. Review status: criteria provided, multiple submitters, no conflicts (2 of 4 stars). 3 submissions from 3 submitters: Pathogenic (3). Last evaluated 2026-02-19.

Conditions:
HNF1B-related disorder. Also called: HNF1B-related disorders; HNF1B-related condition.
Renal cysts and diabetes syndrome (RCAD). Also called: Familial hypoplastic, glomerulocystic kidney; MATURITY-ONSET DIABETES OF THE YOUNG, TYPE 5. Identifiers: Orphanet 93111, MedGen C0431693, MONDO:0007669, OMIM 137920.

Submissions (3):

Victorian Clinical Genetics Services, Murdoch Childrens Research Institute
Classification: Pathogenic for Renal cysts and diabetes syndrome. Last evaluated: 2026-02-19. Review status: criteria provided, single submitter. Criteria: ACMG Guidelines, 2015. Collection method: clinical testing. Allele origin: germline. Affected: yes.
Comment: This variant is classified as Pathogenic. Evidence in support of pathogenic classification: Variant is predicted to cause nonsense-mediated decay (NMD) and loss of protein (premature termination codon is located at least 54 nucleotides upstream of the final exon-exon junction); Variant is absent from gnomAD (v2, v3 and v4); This variant has limited previous evidence of pathogenicity. This variant has been reported in an individual with HNF1B-related clinical features, inherited from an affected father (PMID: 20378641); Other NMD-predicted variants comparable to the one identified in this case have very strong previous evidence for pathogenicity (DECIPHER). Additional information: This variant is heterozygous; This gene is associated with autosomal dominant disease; Dominant negative, loss of function, and gain of function are all reported mechanisms of disease in this gene and are associated with type 2 diabetes mellitus (MIM#125853), and renal cysts and diabetes syndrome (MIM#137920) (OMIM, PMID: 25536396, 11845238, 15509593); Variants in this gene are known to have variable expressivity. There is significant interfamilial and intrafamilial variability of HNF1B-related nephropathy (PMID: 33305128); Inheritance information for this variant is not currently available in this individual.

Blueprint Genetics
Classification: Pathogenic for HNF1B-related disorders. Last evaluated: 2020-04-21. Review status: criteria provided, single submitter. Criteria: ACMG Guidelines, 2015. Collection method: clinical testing. Allele origin: germline. Affected: yes. Observed: 3 variant alleles.

Institute of Human Genetics, FAU Erlangen, Friedrich-Alexander-Universität Erlangen-Nürnberg
Classification: Pathogenic for Renal cysts and diabetes syndrome. Last evaluated: 2019-07-06. Review status: criteria provided, single submitter. Criteria: ACMG Guidelines, 2015. Collection method: literature only. Allele origin: germline. Affected: yes.
Comment: This variant and it's classification has been reported by Vasileiou et al. 2019; DOI:10.1101/576918. The variants has previously been reported in PMID:20378641; PMID:25700310; PMID:20378641; PMID:25536396 as "c.717delG,p.Ser242fs; c.717delG, codon 242; c.717delG" with clinical significance Pathogenic. It has been re-classified using InterVar and manual curation as Pathogenic based on PVS1 PM2 PP3.

Literature cited by the submitters: PubMed 33305128 (cited by Victorian Clinical Genetics Services, Murdoch Childrens Research Institute); PubMed 15509593 (cited by Victorian Clinical Genetics Services, Murdoch Childrens Research Institute); PubMed 20378641 (cited by Victorian Clinical Genetics Services, Murdoch Childrens Research Institute and Institute of Human Genetics, FAU Erlangen, Friedrich-Alexander-Universität Erlangen-Nürnberg); PubMed 25536396 (cited by Victorian Clinical Genetics Services, Murdoch Childrens Research Institute and Institute of Human Genetics, FAU Erlangen, Friedrich-Alexander-Universität Erlangen-Nürnberg); PubMed 11845238 (cited by Victorian Clinical Genetics Services, Murdoch Childrens Research Institute); PubMed 25700310 (cited by Institute of Human Genetics, FAU Erlangen, Friedrich-Alexander-Universität Erlangen-Nürnberg); DOI 10.1101/576918 (cited by Institute of Human Genetics, FAU Erlangen, Friedrich-Alexander-Universität Erlangen-Nürnberg).

NM_000458.4(HNF1B):c.717del (p.Ala241fs)

Genes: HNF1B (HNF1 homeobox B; minus strand), LOC126862549 (BRD4-independent group 4 enhancer GRCh37_chr17:36093401-36094600; plus strand). Cytogenetic location: 17q12.
Variant type: Deletion.
Coding change: c.717del on transcript NM_000458.4 (MANE Select); coding-DNA position 717, one base deleted (G; older notation c.717delG).
Protein change: p.Ala241fs; shifts the reading frame from alanine 241.
Molecular consequence: frameshift variant.
Genome position (GRCh38, 1-based): chr17:37,733,649, C deleted on the plus strand (G on the coding strand, the reverse complement: HNF1B is on the minus strand); the first of 5 consecutive C bases (chr17:37,733,649-37,733,653); deleting any one gives the same sequence. VCF-style (leftmost placement, unchanged base first): chr17-37733648-GC-G. GRCh37 (hg19) VCF-style: chr17-36093641-GC-G.
Other names: c.639del, p.Ala215fs (NM_001165923.4, NM_001304286.2); short protein forms A215fs, A241fs.
Identifiers: ClinVar variation 635658 (VCV000635658.3), dbSNP rs1598842892, ClinGen allele CA913190782.
Genomic context (GRCh38, chr17:37,733,648, plus strand): 5'-CTTCCTTGCTGGGGTTCTTTTGCCGATCGTAGGCCTGGTACAAGATTTGCTGGGACGCGG[GC>G]CCCCATTTGAACCGGTTGCGGCGCATCTTCTTGTTGGTGGGCTCAGAGCAGGCATCATCG-3'